The following is an entry in ClinVar:

ClinVar aggregate classification (germline): Uncertain significance (1 of 4 stars; one submission).

Allele frequency attached by ClinVar (database versions not stated): gnomAD exomes below 0.00001.
gnomAD v4.1: 1 of 1,614,150 alleles (0.000062%); highest among the groups gnomAD compares: Non-Finnish European, 0.000085%; no homozygotes.

Submission:

Labcorp Genetics (formerly Invitae), Labcorp
Classification: Uncertain significance. Last evaluated: 2021-10-21. Review status: criteria provided, single submitter. Criteria: Invitae Variant Classification Sherloc (09022015). Collection method: clinical testing. Allele origin: germline.
Comment: This variant has not been reported in the literature in individuals affected with PLA2G5-related conditions. This variant is not present in population databases (ExAC no frequency). This sequence change replaces cysteine with glycine at codon 48 of the PLA2G5 protein (p.Cys48Gly). The cysteine residue is highly conserved and there is a large physicochemical difference between cysteine and glycine. Algorithms developed to predict the effect of missense changes on protein structure and function (SIFT, PolyPhen-2, Align-GVGD) all suggest that this variant is likely to be disruptive. In summary, the available evidence is currently insufficient to determine the role of this variant in disease. Therefore, it has been classified as a Variant of Uncertain Significance.

NM_000929.3(PLA2G5):c.142T>G (p.Cys48Gly)

Gene: PLA2G5 (phospholipase A2 group V; plus strand). Cytogenetic location: 1p36.13.
Variant type: single nucleotide variant.
Coding change: c.142T>G on transcript NM_000929.3 (MANE Select); coding-DNA position 142, T replaced by G.
Protein change: p.Cys48Gly; replaces cysteine 48 with glycine.
Molecular consequence: missense variant.
Genome position (GRCh38, 1-based): chr1:20,086,184, T>G. VCF-style: chr1-20086184-T-G. GRCh37 (hg19) VCF-style: chr1-20412677-T-G.
Other names: short protein forms C48G.
Identifiers: ClinVar variation 1511242 (VCV001511242.6), dbSNP rs2100624994, ClinGen allele CA338819806.